The following is an entry in ClinVar:

ClinVar aggregate classification (germline): Uncertain significance (1 of 4 stars; one submission).

Conditions:
Cardiovascular phenotype. Identifiers: MedGen CN230736.

Submission:

Ambry Genetics
Classification: Uncertain significance for Cardiovascular phenotype. Last evaluated: 2026-02-13. Review status: criteria provided, single submitter. Criteria: Ambry Variant Classification Scheme 2023. Collection method: clinical testing. Allele origin: germline.
Comment: The p.P1778T variant (also known as c.5332C>A), located in coding exon 38 of the LAMA4 gene, results from a C to A substitution at nucleotide position 5332. The proline at codon 1778 is replaced by threonine, an amino acid with highly similar properties. This amino acid position is conserved. In addition, this alteration is predicted to be tolerated by in silico analysis. Based on the available evidence, the clinical significance of this variant remains unclear.

NM_001105206.3(LAMA4):c.5353C>A (p.Pro1785Thr)

Gene: LAMA4 (laminin subunit alpha 4; minus strand). Cytogenetic location: 6q21.
Variant type: single nucleotide variant.
Coding change: c.5353C>A on transcript NM_001105206.3 (MANE Select); coding-DNA position 5353, C replaced by A.
Protein change: p.Pro1785Thr; replaces proline 1785 with threonine.
Molecular consequence: missense variant.
Genome position (GRCh38, 1-based): chr6:112,109,556, G>T on the plus strand (C>A on the coding strand, the complement: LAMA4 is on the minus strand). VCF-style: chr6-112109556-G-T. GRCh37 (hg19) VCF-style: chr6-112430759-G-T.
Other names: c.5332C>A, p.Pro1778Thr (NM_001105207.3, NM_002290.5); short protein forms P1778T, P1785T.
Identifiers: ClinVar variation 4844127 (VCV004844127.1).